The following is an entry in ClinVar:

NM_000400.4(ERCC2):c.1231G>A (p.Ala411Thr)

Gene: ERCC2 (ERCC excision repair 2, TFIIH core complex helicase subunit; minus strand). Cytogenetic location: 19q13.32.
Variant type: single nucleotide variant.
Coding change: c.1231G>A on transcript NM_000400.4 (MANE Select); coding-DNA position 1231, G replaced by A.
Protein change: p.Ala411Thr; replaces alanine 411 with threonine.
Molecular consequence: missense variant.
Genome position (GRCh38, 1-based): chr19:45,361,530, C>T on the plus strand (G>A on the coding strand, the complement: ERCC2 is on the minus strand). VCF-style: chr19-45361530-C-T. GRCh37 (hg19) VCF-style: chr19-45864788-C-T.
Other names: c.1159G>A, p.Ala387Thr (NM_001130867.2); short protein forms A387T, A411T.
Identifiers: ClinVar variation 1755718 (VCV001755718.7), dbSNP rs1445936046, ClinGen allele CA406369790.

ClinVar aggregate classification (germline): Uncertain significance. Review status: criteria provided, multiple submitters, no conflicts (2 of 4 stars). 2 submissions from 2 submitters: Uncertain significance (2). Last evaluated 2025-09-02.

Conditions:
Inborn genetic diseases. Identifiers: MedGen C0950123, MeSH D030342.

Allele frequency attached by ClinVar (database versions not stated): gnomAD exomes 0.00001; TOPMed 0.00002.
gnomAD v4.1: 11 of 1,611,392 alleles (0.00068%); highest among the groups gnomAD compares: South Asian, 0.0055%; no homozygotes.

Submissions (2):

Labcorp Genetics (formerly Invitae), Labcorp
Classification: Uncertain significance. Last evaluated: 2025-09-02. Review status: criteria provided, single submitter. Criteria: Invitae Variant Classification Sherloc (09022015). Collection method: clinical testing. Allele origin: germline.
Comment: This sequence change replaces alanine, which is neutral and non-polar, with threonine, which is neutral and polar, at codon 411 of the ERCC2 protein (p.Ala411Thr). This variant is present in population databases (no rsID available, gnomAD 0.003%). This variant has not been reported in the literature in individuals affected with ERCC2-related conditions. ClinVar contains an entry for this variant (Variation ID: 1755718). Invitae Evidence Modeling of protein sequence and biophysical properties (such as structural, functional, and spatial information, amino acid conservation, physicochemical variation, residue mobility, and thermodynamic stability) indicates that this missense variant is not expected to disrupt ERCC2 protein function with a negative predictive value of 80%. In summary, the available evidence is currently insufficient to determine the role of this variant in disease. Therefore, it has been classified as a Variant of Uncertain Significance.

Ambry Genetics
Classification: Uncertain significance for Inborn genetic diseases. Last evaluated: 2025-04-13. Review status: criteria provided, single submitter. Criteria: Ambry Variant Classification Scheme 2023. Collection method: clinical testing. Allele origin: germline.